The following is an entry in ClinVar:

NM_020297.4(ABCC9):c.4512+810A>C

Genes: ABCC9 (ATP binding cassette subfamily C member 9; minus strand), KCNJ8-AS1 (KCNJ8 antisense RNA 1; plus strand). Cytogenetic location: 12p12.1.
Variant type: single nucleotide variant.
Coding change: c.4512+810A>C on transcript NM_020297.4 (MANE Select); 810 bases into the intron after coding-DNA position 4512, A replaced by C.
Molecular consequence: intron variant. On other transcripts: missense variant (1).
Genome position (GRCh38, 1-based): chr12:21,805,188, T>G on the plus strand (A>C on the coding strand, the complement: ABCC9 is on the minus strand). VCF-style: chr12-21805188-T-G. GRCh37 (hg19) VCF-style: chr12-21958122-T-G.
Other names: c.4636A>C, p.Met1546Leu (NM_005691.4); c.3645+810A>C (NM_001377274.1); c.4512+810A>C (NM_001377273.1); short protein forms M1546L.
Identifiers: ClinVar variation 4701972 (VCV004701972.1).

ClinVar aggregate classification (germline): Uncertain significance (1 of 4 stars; one submission).

Conditions:
Dilated cardiomyopathy 1O (CMD1O). Also called: CARDIOMYOPATHY, DILATED, WITH VENTRICULAR TACHYCARDIA. Identifiers: Orphanet 154, MedGen C1837839, MONDO:0012062, OMIM 608569.

Submission:

Labcorp Genetics (formerly Invitae), Labcorp
Classification: Uncertain significance for Dilated cardiomyopathy 1O. Last evaluated: 2025-12-01. Review status: criteria provided, single submitter. Criteria: Invitae Variant Classification Sherloc (09022015). Collection method: clinical testing. Allele origin: germline.
Comment: This sequence change replaces methionine, which is neutral and non-polar, with leucine, which is neutral and non-polar, at codon 1546 of the ABCC9 protein (p.Met1546Leu). This variant is not present in population databases (gnomAD no frequency). This variant has not been reported in the literature in individuals affected with ABCC9-related conditions. Invitae Evidence Modeling of protein sequence and biophysical properties (such as structural, functional, and spatial information, amino acid conservation, physicochemical variation, residue mobility, and thermodynamic stability) indicates that this missense variant is not expected to disrupt ABCC9 protein function with a negative predictive value of 95%. In summary, the available evidence is currently insufficient to determine the role of this variant in disease. Therefore, it has been classified as a Variant of Uncertain Significance.